The following is an entry in ClinVar:

NM_147127.5(EVC2):c.3361-255_3481del

Gene: EVC2 (EvC ciliary complex subunit 2; minus strand). Cytogenetic location: 4p16.2.
Variant type: Deletion.
Coding change: c.3361-255_3481del on transcript NM_147127.5 (MANE Select); 255 bases into the intron before coding-DNA position 3361 through coding-DNA position 3481, 376 bases deleted.
Molecular consequence: splice acceptor variant.
Genome position (GRCh38, 1-based): chr4:5,568,520-5,568,895, 376 bases deleted. GRCh37 (hg19): chr4:5,570,252-5,570,627.
Other names: c.3121-255_3241del (NM_001166136.2).
Identifiers: ClinVar variation 3754549 (VCV003754549.2).

ClinVar aggregate classification (germline): Likely pathogenic (1 of 4 stars; one submission).

Conditions:
Curry-Hall syndrome (WAD). Also called: WEYERS ACRODENTAL DYSOSTOSIS. Identifiers: Orphanet 952, MedGen C0457013, MONDO:0008673, OMIM 193530.
Ellis-van Creveld syndrome (EVC). Also called: EVC-Related Ellis-van Creveld Syndrome; EVC2-Related Ellis-van Creveld Syndrome; MESOECTODERMAL DYSPLASIA; Chondroectodermal dysplasia. Identifiers: Orphanet 289, MedGen C0013903, MONDO:0009162, OMIM 225500.

Submission:

Labcorp Genetics (formerly Invitae), Labcorp
Classification: Likely pathogenic for Curry-Hall syndrome; Ellis-van Creveld syndrome. Last evaluated: 2024-02-09. Review status: criteria provided, single submitter. Criteria: Invitae Variant Classification Sherloc (09022015). Collection method: clinical testing. Allele origin: germline.
Comment: This variant results in the deletion of part of exon 20 (c.3361-255_3481del) of the EVC2 gene. It is expected to disrupt RNA splicing. Variants that disrupt the donor or acceptor splice site typically lead to a loss of protein function (PMID: 16199547), and loss-of-function variants in EVC2 are known to be pathogenic (PMID: 17024374, 19810119, 19876929). This variant is not present in population databases (gnomAD no frequency). This variant has not been reported in the literature in individuals affected with EVC2-related conditions. In summary, the currently available evidence indicates that the variant is pathogenic, but additional data are needed to prove that conclusively. Therefore, this variant has been classified as Likely Pathogenic.

Literature cited by the submitters: PubMed 16199547; PubMed 17024374; PubMed 19810119; PubMed 19876929.